The following is an entry in ClinVar:

ClinVar aggregate classification (germline): Pathogenic. Review status: reviewed by expert panel (3 of 4 stars). 8 submissions from 8 submitters: Pathogenic (1). 7 of the submissions do not count toward it. Last evaluated 2026-04-29.

Conditions:
Sarcoglycanopathy. Identifiers: Orphanet 207052, MedGen C2936331, MONDO:0016140.
Autosomal recessive limb-girdle muscular dystrophy. Identifiers: Orphanet 102015, MedGen C2931907, MONDO:0015152.
Autosomal recessive limb-girdle muscular dystrophy type 2D (LGMDR3). Also called: ADHALINOPATHY, PRIMARY; DUCHENNE-LIKE AUTOSOMAL RECESSIVE MUSCULAR DYSTROPHY, TYPE 2; MUSCULAR DYSTROPHY, LIMB-GIRDLE, AUTOSOMAL RECESSIVE 3. Identifiers: Orphanet 62, MedGen C2936332, MONDO:0011968, OMIM 608099. Disease mechanism: Affects gamma-sarcoglycan and also disrupts the integrity of the entire sarcoglycan complex..

Allele frequency attached by ClinVar (database versions not stated): gnomAD 0.00003; gnomAD exomes 0.00003; TOPMed 0.00003; ExAC below 0.00001; ESP Exome Variant Server 0.00008.
gnomAD v4.1: 48 of 1,609,360 alleles (0.003%); highest among the groups gnomAD compares: Non-Finnish European, 0.0037%; no homozygotes.

Submissions (8):

ClinGen Limb Girdle Muscular Dystrophy Variant Curation Expert Panel, ClinGen
Classification: Pathogenic for Autosomal recessive limb-girdle muscular dystrophy. Last evaluated: 2026-04-29. Review status: reviewed by expert panel. Criteria: ClinGen LGMD VCEP ACMG Specifications SGCA V2.0.0. Collection method: curation. Allele origin: germline. Inheritance: Autosomal recessive inheritance.
Comment: The NM_000023.4: c.307A>G variant in SGCA is a missense variant predicted to cause substitution of isoleucine by valine at amino acid 103, p.(Ile103Val). This variant has been detected in five unrelated individuals with limb-girdle muscular dystrophy (PMID: 32528171, 30564623; Newcastle University, GRASP-LGMD Consortium internal data communication; LOVD SGCA_000155). Of those individuals, two were confirmed compound heterozygous for the variant and a pathogenic variant (c.229C>T p.(Arg77Cys), 1.0 pt, Newcastle University internal data communication; c.739G>A p.(Val247Met), 1.0 pt, PMID: 32528171, MYO-Seq study internal data communication). In at least three, individuals, the variant was reported in unconfirmed phase with a pathogenic variant (c.229C>T p.(Arg77Cys), 0.5 pts x2, PMID: 30564623, Newcastle University internal data communication; c.293G>A p.(Arg98His), 0.5 pts, PMID: 30564623, LOVD Individual #00219726) (PM3_Strong). At least one patient with this variant and a second presumed diagnostic SGCA variant displayed progressive limb girdle muscle weakness and reduced alpha-sarcoglycan protein expression, which is highly specific for SGCA-related LGMD (PP4_Strong; PMID: 32528171). The variant has also been reported to segregate with autosomal recessive limb girdle muscular dystrophy in two affected siblings from one family (PP1; Newcastle University internal data communication). The upper bound of the 95% confidence interval of the Grpmax variant allele frequency in gnomAD v4.1.1 is 0.000048072 (44/1176834 European (non-Finnish) alleles), which is lower than the LGMD VCEP threshold (<0.00009) for PM2_Supporting, and therefore meets this criterion. The computational predictor REVEL gives a score of 0.826, which is above the threshold of 0.7, evidence that correlates with impact to SGCA function (PP3). In summary, this variant meets the criteria to be classified as Pathogenic for autosomal recessive limb girdle muscular dystrophy based on the ACMG/AMP criteria applied, as specified by the ClinGen LGMD VCEP (LGMD VCEP specifications version 2.0.0; 04/29/2026): PM3_Strong, PP4_Strong, PM2_Supporting, PP1, PP3.

Women's Health and Genetics/Laboratory Corporation of America, LabCorp
Classification: Uncertain significance. Last evaluated: 2025-02-13. Review status: criteria provided, single submitter. Criteria: LabCorp Variant Classification Summary - May 2015. Collection method: clinical testing. Allele origin: germline. Not counted in ClinVar's aggregate classification.
Comment: Variant summary: SGCA c.307A>G (p.Ile103Val) results in a conservative amino acid change located in the Dystroglycan-type cadherin-like domains (IPR006644) of the encoded protein sequence. Four of five in-silico tools predict a damaging effect of the variant on protein function. The variant allele was found at a frequency of 3e-05 in 1609360 control chromosomes. This frequency is not significantly higher than estimated for a pathogenic variant in SGCA causing Autosomal recessive limb-girdle muscular dystrophy type 2D, allowing no conclusion about variant significance. To our knowledge, no occurrence of c.307A>G in individuals affected with Autosomal recessive limb-girdle muscular dystrophy type 2D and no experimental evidence demonstrating its impact on protein function have been reported. ClinVar contains an entry for this variant (Variation ID: 284685). Based on the evidence outlined above, the variant was classified as uncertain significance.

Revvity Omics, Revvity
Classification: Uncertain significance for Autosomal recessive limb-girdle muscular dystrophy type 2D. Last evaluated: 2023-07-20. Review status: criteria provided, single submitter. Criteria: ACMG Guidelines, 2015. Collection method: clinical testing. Allele origin: germline. Not counted in ClinVar's aggregate classification.

Molecular Genetics, Royal Melbourne Hospital
Classification: Uncertain significance for Autosomal recessive limb-girdle muscular dystrophy type 2D. Last evaluated: 2023-03-30. Review status: criteria provided, single submitter. Criteria: ACMG Guidelines, 2015. Collection method: clinical testing. Allele origin: germline. Not counted in ClinVar's aggregate classification.
Comment: This sequence change in SGCA is predicted to replace isoleucine with valine at codon 103 (p.(Ile103Val)). The isoleucine residue is highly conserved (100 vertebrates, UCSC), and is located in an extracellular region. There is a small physicochemical difference between isoleucine and valine. The highest population minor allele frequency in gnomAD v2.1 is 0.006% (4/68,020 alleles, 0 homozygotes) in the European (non-Finnish) population, which is consistent with a recessive condition. This variant has been detected with a second pathogenic allele in at least three individuals with limb-girdle muscular dystrophy (PMID: 30564623; LOVD). Multiple lines of computational evidence predict a deleterious effect for the missense substitution (5/6 algorithms). Two other missense variants in the same codon (p.Ile103Thr and p.Ile103Phe) have been reported in cases with limb-girdle muscular dystrophy (PMID: 9032047, 17994539). Based on the classification scheme RMH Modified ACMG Guidelines v1.4.0, this variant is classified as a VARIANT OF UNCERTAIN SIGNIFICANCE. Following criteria are met: PM3, PM2_Supporting, PP3.

Labcorp Genetics (formerly Invitae), Labcorp
Classification: Uncertain significance for Autosomal recessive limb-girdle muscular dystrophy type 2D. Last evaluated: 2022-07-12. Review status: criteria provided, single submitter. Criteria: Invitae Variant Classification Sherloc (09022015). Collection method: clinical testing. Allele origin: germline. Not counted in ClinVar's aggregate classification.
Comment: This sequence change replaces isoleucine, which is neutral and non-polar, with valine, which is neutral and non-polar, at codon 103 of the SGCA protein (p.Ile103Val). This variant is not present in population databases (gnomAD no frequency). This missense change has been observed in individual(s) with clinical features of SGCA-related conditions (Invitae). In at least one individual the data is consistent with being in trans (on the opposite chromosome) from a pathogenic variant. ClinVar contains an entry for this variant (Variation ID: 284685). Algorithms developed to predict the effect of missense changes on protein structure and function are either unavailable or do not agree on the potential impact of this missense change (SIFT: "Tolerated"; PolyPhen-2: "Probably Damaging"; Align-GVGD: "Class C0"). This variant disrupts the p.Ile103Thr amino acid residue in SGCA. Other variant(s) that disrupt this residue have been determined to be pathogenic (PMID: 9032047, 25135358). This suggests that this residue is clinically significant, and that variants that disrupt this residue are likely to be disease-causing. In summary, the available evidence is currently insufficient to determine the role of this variant in disease. Therefore, it has been classified as a Variant of Uncertain Significance.

Eurofins Ntd Llc (ga)
Classification: Likely pathogenic. Last evaluated: 2018-05-31. Review status: criteria provided, single submitter. Criteria: EGL ClinVar v180209 classification definitions. Collection method: clinical testing. Allele origin: germline. Observed: 5 variant alleles, 5 heterozygotes. Not counted in ClinVar's aggregate classification.

Illumina Laboratory Services, Illumina
Classification: Uncertain significance for Sarcoglycanopathy. Last evaluated: 2018-01-12. Review status: criteria provided, single submitter. Criteria: ICSL Variant Classification Criteria 13 December 2019. Collection method: clinical testing. Allele origin: germline. Not counted in ClinVar's aggregate classification.

Counsyl
Classification: Uncertain significance for Autosomal recessive limb-girdle muscular dystrophy type 2D. Last evaluated: 2019-06-09. Review status: no assertion criteria provided. Collection method: clinical testing. Allele origin: unknown. Not counted in ClinVar's aggregate classification.

Literature cited by the submitters: PubMed 9032047 (cited by Molecular Genetics, Royal Melbourne Hospital and Labcorp Genetics (formerly Invitae), Labcorp); PubMed 17994539 (cited by Molecular Genetics, Royal Melbourne Hospital); PubMed 30564623 (cited by Molecular Genetics, Royal Melbourne Hospital); PubMed 25135358 (cited by Labcorp Genetics (formerly Invitae), Labcorp).

NM_000023.4(SGCA):c.307A>G (p.Ile103Val)

Gene: SGCA (sarcoglycan alpha; plus strand). Cytogenetic location: 17q21.33.
Variant type: single nucleotide variant.
Coding change: c.307A>G on transcript NM_000023.4 (MANE Select); coding-DNA position 307, A replaced by G.
Protein change: p.Ile103Val; replaces isoleucine 103 with valine.
Molecular consequence: missense variant. On other transcripts: non-coding transcript variant (1).
Genome position (GRCh38, 1-based): chr17:50,167,731, A>G. VCF-style: chr17-50167731-A-G. GRCh37 (hg19) VCF-style: chr17-48245092-A-G.
Other names: NM_000023.4(SGCA):c.307A>G; p.Ile103Val; c.307A>G, p.Ile103Val (NM_001135697.3); short protein forms I103V.
Identifiers: ClinVar variation 284685 (VCV000284685.21), dbSNP rs370819630, ClinGen allele CA8643746.
Genomic context (GRCh38, chr17:50,167,731, plus strand): 5'-CCCCACCACCCTGGCTTCCTCTACGGCTCTGCCACCCCAGAAGATCGTGGGCTCCAGGTC[A>G]TTGAGGTGCCGTCAGGGACCCTGAGAAAATCACAGGGGTGGGCCAGAGTGGCCTCCTAGG-3'
Protein context (NP_000014.1, residues 93-113): ATPEDRGLQV[Ile103Val]EVTAYNRDSF